The following is an entry in ClinVar:

ClinVar aggregate classification (germline): Uncertain significance. Review status: criteria provided, multiple submitters, no conflicts (2 of 4 stars). 4 submissions from 4 submitters: Uncertain significance (4). Last evaluated 2024-11-06.

Conditions:
Baraitser-winter syndrome 2. Identifiers: Orphanet 2995, MedGen C3281235, MONDO:0013812, OMIM 614583.
Autosomal dominant nonsyndromic hearing loss 20. Identifiers: Orphanet 90635, MedGen C1858172, MONDO:0011480, OMIM 604717.

gnomAD v4.1: 6 of 1,613,868 alleles (0.00037%); highest among the groups gnomAD compares: Non-Finnish European, 0.00051%; no homozygotes.

Submissions (4):

GeneDx
Classification: Uncertain significance. Last evaluated: 2024-11-06. Review status: criteria provided, single submitter. Criteria: GeneDx Variant Classification Process June 2021. Collection method: clinical testing. Allele origin: germline. Affected: yes.
Comment: Not observed at significant frequency in large population cohorts (gnomAD); Missense variants in this gene are a common cause of disease and they are underrepresented in the general population; In silico analysis supports that this missense variant has a deleterious effect on protein structure/function; This variant is associated with the following publications: (PMID: 23967202)

Blueprint Genetics
Classification: Uncertain significance. Last evaluated: 2024-10-23. Review status: criteria provided, single submitter. Criteria: ACMG Guidelines, 2015. Collection method: clinical testing. Allele origin: germline.

Baylor Genetics
Classification: Uncertain significance for Baraitser-winter syndrome 2. Last evaluated: 2019-09-10. Review status: criteria provided, single submitter. Criteria: ACMG Guidelines, 2015. Collection method: clinical testing. Allele origin: unknown. Affected: yes.
Comment: This variant was determined to be of uncertain significance according to ACMG Guidelines, 2015 [PMID:25741868].

Juno Genomics, Hangzhou Juno Genomics, Inc
Classification: Uncertain significance for Baraitser-winter syndrome 2; Autosomal dominant nonsyndromic hearing loss 20. Review status: criteria provided, single submitter. Criteria: ACMG Guidelines, 2015. Collection method: clinical testing. Allele origin: germline. Affected: yes.
Comment: Absent from controls (or at extremely low frequency if recessive) in Genome Aggregation Database, Exome Sequencing Project, 1000 Genomes Project, or Exome Aggregation Consortium.;The prevalence of the variant in affected individuals is significantly increased compared to the prevalence in controls.;Multiple lines of computational evidence support a deleterious effect on the gene or gene product (conservation, evolutionary, splicing impact, etc).;Missense variant in a gene that has a low rate of benign missense variation and where missense variants are a common mechanism of disease.

NM_001614.5(ACTG1):c.485C>T (p.Thr162Met)

Gene: ACTG1 (actin gamma 1; minus strand). Cytogenetic location: 17q25.3.
Variant type: single nucleotide variant.
Coding change: c.485C>T on transcript NM_001614.5 (MANE Select); coding-DNA position 485, C replaced by T.
Protein change: p.Thr162Met; replaces threonine 162 with methionine.
Molecular consequence: missense variant. On other transcripts: non-coding transcript variant (1).
Genome position (GRCh38, 1-based): chr17:81,511,505, G>A on the plus strand (C>T on the coding strand, the complement: ACTG1 is on the minus strand). VCF-style: chr17-81511505-G-A. GRCh37 (hg19) VCF-style: chr17-79478531-G-A.
Other names: c.485C>T, p.Thr162Met (NM_001199954.3); short protein forms T162M.
Identifiers: ClinVar variation 1029360 (VCV001029360.5), dbSNP rs2031771459, ClinGen allele CA401460990.